The following is an entry in ClinVar:

NM_014339.7(IL17RA):c.388G>C (p.Glu130Gln)

Gene: IL17RA (interleukin 17 receptor A; plus strand). Cytogenetic location: 22q11.1.
Variant type: single nucleotide variant.
Coding change: c.388G>C on transcript NM_014339.7 (MANE Select); coding-DNA position 388, G replaced by C.
Protein change: p.Glu130Gln; replaces glutamic acid 130 with glutamine.
Molecular consequence: missense variant.
Genome position (GRCh38, 1-based): chr22:17,098,852, G>C. VCF-style: chr22-17098852-G-C. GRCh37 (hg19) VCF-style: chr22-17579742-G-C.
Other names: c.388G>C, p.Glu130Gln (NM_001289905.2); short protein forms E130Q.
Identifiers: ClinVar variation 1009111 (VCV001009111.8), dbSNP rs2061378960, ClinGen allele CA410211423.

ClinVar aggregate classification (germline): Uncertain significance (1 of 4 stars; one submission).

Conditions:
Immunodeficiency 51 (IMD51). Also called: CANDIDIASIS, FAMILIAL, 5. Identifiers: Orphanet 1334, MedGen C4310803, MONDO:0013500, OMIM 613953.

Submission:

Labcorp Genetics (formerly Invitae), Labcorp
Classification: Uncertain significance for Immunodeficiency 51. Last evaluated: 2022-07-06. Review status: criteria provided, single submitter. Criteria: Invitae Variant Classification Sherloc (09022015). Collection method: clinical testing. Allele origin: germline.
Comment: In summary, the available evidence is currently insufficient to determine the role of this variant in disease. Therefore, it has been classified as a Variant of Uncertain Significance. Algorithms developed to predict the effect of missense changes on protein structure and function output the following: SIFT: "Tolerated"; PolyPhen-2: "Benign"; Align-GVGD: "Class C0". The glutamine amino acid residue is found in multiple mammalian species, which suggests that this missense change does not adversely affect protein function. ClinVar contains an entry for this variant (Variation ID: 1009111). This variant has not been reported in the literature in individuals affected with IL17RA-related conditions. This variant is not present in population databases (gnomAD no frequency). This sequence change replaces glutamic acid, which is acidic and polar, with glutamine, which is neutral and polar, at codon 130 of the IL17RA protein (p.Glu130Gln).